The following is an entry in ClinVar:

NM_002430.3(MN1):c.1664C>T (p.Ala555Val)

Gene: MN1 (MN1 proto-oncogene, transcriptional regulator; minus strand). Cytogenetic location: 22q12.1.
Variant type: single nucleotide variant.
Coding change: c.1664C>T on transcript NM_002430.3 (MANE Select); coding-DNA position 1664, C replaced by T.
Protein change: p.Ala555Val; replaces alanine 555 with valine.
Molecular consequence: missense variant.
Genome position (GRCh38, 1-based): chr22:27,798,880, G>A on the plus strand (C>T on the coding strand, the complement: MN1 is on the minus strand). VCF-style: chr22-27798880-G-A. GRCh37 (hg19) VCF-style: chr22-28194868-G-A.
Other names: short protein forms A555V.
Identifiers: ClinVar variation 5002288 (VCV005002288.1).

ClinVar aggregate classification (germline): Uncertain significance (1 of 4 stars; one submission).

Conditions:
MN1-related disorder. Also called: MN1-related condition.

Submission:

PreventionGenetics, part of Exact Sciences
Classification: Uncertain significance for MN1-related condition. Last evaluated: 2024-10-29. Review status: criteria provided, single submitter. Criteria: ACMG Guidelines, 2015. Collection method: clinical testing. Allele origin: germline.
Comment: The MN1 c.1664C>T variant is predicted to result in the amino acid substitution p.Ala555Val. To our knowledge, this variant has not been reported in the literature or in a large population database (gnomAD), indicating this variant is rare. At this time, the clinical significance of this variant is uncertain due to the absence of conclusive functional and genetic evidence.